The following is an entry in ClinVar:

NM_005911.6(MAT2A):c.367C>A (p.Leu123Ile)

Genes: GGCX (gamma-glutamyl carboxylase; minus strand), MAT2A (methionine adenosyltransferase 2A; plus strand). Cytogenetic location: 2p11.2.
Variant type: single nucleotide variant.
Coding change: c.367C>A on transcript NM_005911.6 (MANE Select); coding-DNA position 367, C replaced by A.
Protein change: p.Leu123Ile; replaces leucine 123 with isoleucine.
Molecular consequence: missense variant.
Genome position (GRCh38, 1-based): chr2:85,541,707, C>A. VCF-style: chr2-85541707-C-A. GRCh37 (hg19) VCF-style: chr2-85768830-C-A.
Other names: short protein forms L123I.
Identifiers: ClinVar variation 4825897 (VCV004825897.1).
Genomic context (GRCh38, chr2:85,541,707, plus strand): 5'-ACTTGTAACGTGCTGGTAGCCTTGGAGCAACAGTCACCAGATATTGCTCAAGGTGTTCAT[C>A]TTGACAGAAATGAAGAAGACATTGGTGCTGGAGACCAGGTATCTTGGTGTAGAGGCTGTT-3'
Protein context (NP_005902.1, residues 113-133): QSPDIAQGVH[Leu123Ile]DRNEEDIGAG

ClinVar aggregate classification (germline): Uncertain significance (1 of 4 stars; one submission).

Conditions:
Cardiovascular phenotype. Identifiers: MedGen CN230736.

Submission:

Ambry Genetics
Classification: Uncertain significance for Cardiovascular phenotype. Last evaluated: 2026-03-12. Review status: criteria provided, single submitter. Criteria: Ambry Variant Classification Scheme 2023. Collection method: clinical testing. Allele origin: germline.
Comment: The p.L123I variant (also known as c.367C>A), located in coding exon 4 of the MAT2A gene, results from a C to A substitution at nucleotide position 367. The leucine at codon 123 is replaced by isoleucine, an amino acid with highly similar properties. This amino acid position is conserved. In addition, this alteration is predicted to be tolerated by in silico analysis. Based on the available evidence, the clinical significance of this variant remains unclear.